The following is an entry in ClinVar:

NM_006231.4(POLE):c.782A>G (p.Asp261Gly)

Gene: POLE (DNA polymerase epsilon, catalytic subunit; minus strand). Cytogenetic location: 12q24.33.
Variant type: single nucleotide variant.
Coding change: c.782A>G on transcript NM_006231.4 (MANE Select); coding-DNA position 782, A replaced by G.
Protein change: p.Asp261Gly; replaces aspartic acid 261 with glycine.
Molecular consequence: missense variant.
Genome position (GRCh38, 1-based): chr12:132,677,382, T>C on the plus strand (A>G on the coding strand, the complement: POLE is on the minus strand). VCF-style: chr12-132677382-T-C. GRCh37 (hg19) VCF-style: chr12-133253968-T-C.
Other names: short protein forms D261G.
Identifiers: ClinVar variation 939580 (VCV000939580.9), dbSNP rs2043077699, ClinGen allele CA387364438.

ClinVar aggregate classification (germline): Uncertain significance (1 of 4 stars; one submission).

Allele frequency attached by ClinVar (database versions not stated): gnomAD exomes below 0.00001.
gnomAD v4.1: 2 of 1,614,066 alleles (0.00012%); highest among the groups gnomAD compares: Non-Finnish European, 0.00017%; no homozygotes.

Submission:

Labcorp Genetics (formerly Invitae), Labcorp
Classification: Uncertain significance. Last evaluated: 2019-08-25. Review status: criteria provided, single submitter. Criteria: Invitae Variant Classification Sherloc (09022015). Collection method: clinical testing. Allele origin: germline.
Comment: This variant has not been reported in the literature in individuals with POLE-related conditions. In summary, the available evidence is currently insufficient to determine the role of this variant in disease. Therefore, it has been classified as a Variant of Uncertain Significance. Algorithms developed to predict the effect of sequence changes on RNA splicing suggest that this variant may create or strengthen a splice site, but this prediction has not been confirmed by published transcriptional studies. Algorithms developed to predict the effect of missense changes on protein structure and function are either unavailable or do not agree on the potential impact of this missense change (SIFT: "Tolerated"; PolyPhen-2: "Possibly Damaging"; Align-GVGD: "Class C0"). This variant is not present in population databases (ExAC no frequency). This sequence change replaces aspartic acid with glycine at codon 261 of the POLE protein (p.Asp261Gly). The aspartic acid residue is highly conserved and there is a moderate physicochemical difference between aspartic acid and glycine.